The following is an entry in ClinVar:

ClinVar aggregate classification (germline): Likely benign (1 of 4 stars; one submission).

Allele frequency attached by ClinVar (database versions not stated): gnomAD 0.00001; TOPMed 0.00001.
gnomAD v4.1: 14 of 1,613,874 alleles (0.00087%); highest among the groups gnomAD compares: East Asian, 0.013%; no homozygotes.

Submission:

GeneDx
Classification: Likely benign. Last evaluated: 2019-03-28. Review status: criteria provided, single submitter. Criteria: GeneDx Variant Classification Process June 2021. Collection method: clinical testing. Allele origin: germline. Affected: yes.
Comment: See Variant Classification Assertion Criteria.

NM_030632.3(ASXL3):c.5252C>T (p.Thr1751Met)

Gene: ASXL3 (ASXL transcriptional regulator 3; plus strand). Cytogenetic location: 18q12.1.
Variant type: single nucleotide variant.
Coding change: c.5252C>T on transcript NM_030632.3 (MANE Select); coding-DNA position 5252, C replaced by T.
Protein change: p.Thr1751Met; replaces threonine 1751 with methionine.
Molecular consequence: missense variant.
Genome position (GRCh38, 1-based): chr18:33,745,100, C>T. VCF-style: chr18-33745100-C-T. GRCh37 (hg19) VCF-style: chr18-31325064-C-T.
Other names: short protein forms T1751M.
Identifiers: ClinVar variation 1678809 (VCV001678809.2), dbSNP rs753874423, ClinGen allele CA8934401.